The following is an entry in ClinVar:

ClinVar aggregate classification (germline): Uncertain significance (1 of 4 stars; one submission).

Submission:

Labcorp Genetics (formerly Invitae), Labcorp
Classification: Uncertain significance. Last evaluated: 2024-04-16. Review status: criteria provided, single submitter. Criteria: Invitae Variant Classification Sherloc (09022015). Collection method: clinical testing. Allele origin: germline.
Comment: This sequence change replaces lysine, which is basic and polar, with asparagine, which is neutral and polar, at codon 645 of the RERE protein (p.Lys645Asn). This variant is not present in population databases (gnomAD no frequency). This variant has not been reported in the literature in individuals affected with RERE-related conditions. Advanced modeling of protein sequence and biophysical properties (such as structural, functional, and spatial information, amino acid conservation, physicochemical variation, residue mobility, and thermodynamic stability) has been performed at Invitae for this missense variant, however the output from this modeling did not meet the statistical confidence thresholds required to predict the impact of this variant on RERE protein function. In summary, the available evidence is currently insufficient to determine the role of this variant in disease. Therefore, it has been classified as a Variant of Uncertain Significance.

NM_001042681.2(RERE):c.1935G>C (p.Lys645Asn)

Gene: RERE (arginine-glutamic acid dipeptide repeats; minus strand). Cytogenetic location: 1p36.23.
Variant type: single nucleotide variant.
Coding change: c.1935G>C on transcript NM_001042681.2 (MANE Select); coding-DNA position 1935, G replaced by C.
Protein change: p.Lys645Asn; replaces lysine 645 with asparagine.
Molecular consequence: missense variant.
Genome position (GRCh38, 1-based): chr1:8,361,844, C>G on the plus strand (G>C on the coding strand, the complement: RERE is on the minus strand). VCF-style: chr1-8361844-C-G. GRCh37 (hg19) VCF-style: chr1-8421904-C-G.
Other names: c.273G>C, p.Lys91Asn (NM_001042682.2); c.1935G>C, p.Lys645Asn (NM_012102.4); short protein forms K645N, K91N.
Identifiers: ClinVar variation 3685435 (VCV003685435.2).
Genomic context (GRCh38, chr1:8,361,844, plus strand): 5'-GCTGGTCCTGTCAGCCTCCTCCGTATCAGAGGCCACCTTCTCCCGCTGGCGTTTGTTACT[C>G]TTAAGAGGGGAAGAGGCTTCCTCCTTCACCTTCTGCAGGGGAAAAGCCCACAAGGAGCAA-3'
Protein context (NP_001036146.1, residues 635-655): KVKEEASSPL[Lys645Asn]SNKRQREKVA